The following is an entry in ClinVar:

NM_003737.4(DCHS1):c.7376C>T (p.Ala2459Val)

Gene: DCHS1 (dachsous cadherin-related 1; minus strand). Cytogenetic location: 11p15.4.
Variant type: single nucleotide variant.
Coding change: c.7376C>T on transcript NM_003737.4 (MANE Select); coding-DNA position 7376, C replaced by T.
Protein change: p.Ala2459Val; replaces alanine 2459 with valine.
Molecular consequence: missense variant.
Genome position (GRCh38, 1-based): chr11:6,624,300, G>A on the plus strand (C>T on the coding strand, the complement: DCHS1 is on the minus strand). VCF-style: chr11-6624300-G-A. GRCh37 (hg19) VCF-style: chr11-6645531-G-A.
Other names: short protein forms A2459V.
Identifiers: ClinVar variation 1310538 (VCV001310538.2), dbSNP rs1855756821, ClinGen allele CA379483200.

ClinVar aggregate classification (germline): Uncertain significance (1 of 4 stars; one submission).

Allele frequency attached by ClinVar (database versions not stated): gnomAD exomes below 0.00001; TOPMed 0.00001.
gnomAD v4.1: 1 of 1,592,412 alleles (0.000063%); highest among the groups gnomAD compares: African/African-American, 0.0013%; no homozygotes.

Submission:

GeneDx
Classification: Uncertain significance. Last evaluated: 2019-09-04. Review status: criteria provided, single submitter. Criteria: GeneDx Variant Classification Process June 2021. Collection method: clinical testing. Allele origin: germline. Affected: yes.
Comment: Not observed in large population cohorts (Lek et al., 2016); In silico analysis, which includes protein predictors and evolutionary conservation, supports that this variant does not alter protein structure/function; Has not been previously published as pathogenic or benign to our knowledge